The following is an entry in ClinVar:

ClinVar aggregate classification (germline): Uncertain significance. Review status: criteria provided, multiple submitters, no conflicts (2 of 4 stars). 2 submissions from 2 submitters: Uncertain significance (2). Last evaluated 2024-01-09.

Conditions:
Cardiovascular phenotype. Identifiers: MedGen CN230736.
Autosomal recessive limb-girdle muscular dystrophy type 2J (LGMDR10). Also called: Limb-girdle muscular dystrophy, type 2J; MUSCULAR DYSTROPHY, LIMB-GIRDLE, AUTOSOMAL RECESSIVE 10. Identifiers: Orphanet 140922, MedGen C1837342, MONDO:0012127, OMIM 608807.
Dilated cardiomyopathy 1G (CMD1G). Identifiers: Orphanet 154, MedGen C1858763, MONDO:0011400, OMIM 604145.

Submissions (2):

Labcorp Genetics (formerly Invitae), Labcorp
Classification: Uncertain significance for Dilated cardiomyopathy 1G; Autosomal recessive limb-girdle muscular dystrophy type 2J. Last evaluated: 2024-01-09. Review status: criteria provided, single submitter. Criteria: Invitae Variant Classification Sherloc (09022015). Collection method: clinical testing. Allele origin: germline.
Comment: This sequence change replaces isoleucine, which is neutral and non-polar, with valine, which is neutral and non-polar, at codon 34023 of the TTN protein (p.Ile34023Val). This variant is not present in population databases (gnomAD no frequency). This variant has not been reported in the literature in individuals affected with TTN-related conditions. ClinVar contains an entry for this variant (Variation ID: 1759119). Algorithms developed to predict the effect of missense changes on protein structure and function output the following: SIFT: "Not Available"; PolyPhen-2: "Not Available"; Align-GVGD: "Not Available". The valine amino acid residue is found in multiple mammalian species, which suggests that this missense change does not adversely affect protein function. This variant is located in the M band of TTN (PMID: 25589632). Non-truncating variants in this region may be relevant for neuromuscular disorders, but have not been definitively shown to cause cardiomyopathy (PMID: 23975875). In summary, the available evidence is currently insufficient to determine the role of this variant in disease. Therefore, it has been classified as a Variant of Uncertain Significance.

Ambry Genetics
Classification: Uncertain significance for Cardiovascular phenotype. Last evaluated: 2020-03-05. Review status: criteria provided, single submitter. Criteria: Ambry Variant Classification Scheme 2023. Collection method: clinical testing. Allele origin: germline.
Comment: The p.I24958V variant (also known as c.74872A>G), located in coding exon 185 of the TTN gene, results from an A to G substitution at nucleotide position 74872. The isoleucine at codon 24958 is replaced by valine, an amino acid with highly similar properties. This amino acid position is poorly conserved in available vertebrate species. In addition, this alteration is predicted to be tolerated by in silico analysis. Since supporting evidence is limited at this time, the clinical significance of this alteration remains unclear.

Literature cited by the submitters: PubMed 25589632 (cited by Labcorp Genetics (formerly Invitae), Labcorp); PubMed 23975875 (cited by Labcorp Genetics (formerly Invitae), Labcorp).

NM_001267550.2(TTN):c.102067A>G (p.Ile34023Val)

Genes: TTN (titin; minus strand), TTN-AS1 (TTN antisense RNA 1; plus strand). Cytogenetic location: 2q31.2.
Variant type: single nucleotide variant.
Coding change: c.102067A>G on transcript NM_001267550.2 (MANE Select); coding-DNA position 102067, A replaced by G.
Protein change: p.Ile34023Val; replaces isoleucine 34023 with valine.
Molecular consequence: missense variant.
Genome position (GRCh38, 1-based): chr2:178,534,548, T>C on the plus strand (A>G on the coding strand, the complement: TTN is on the minus strand). VCF-style: chr2-178534548-T-C. GRCh37 (hg19) VCF-style: chr2-179399275-T-C.
Other names: c.97144A>G, p.Ile32382Val (NM_001256850.1); c.74872A>G, p.Ile24958Val (NM_003319.4); c.94363A>G, p.Ile31455Val (NM_133378.4); c.75247A>G, p.Ile25083Val (NM_133432.3); c.75448A>G, p.Ile25150Val (NM_133437.4); short protein forms I32382V, I31455V, I24958V, I25150V, I34023V, I25083V.
Identifiers: ClinVar variation 1759119 (VCV001759119.5), dbSNP rs2468540214, ClinGen allele CA349418444.